The following is an entry in ClinVar:

ClinVar aggregate classification (germline): Benign (1 of 4 stars; one submission).

Allele frequency attached by ClinVar (database versions not stated): 1000 Genomes Project 30x 0.02748; 1000 Genomes Project 0.02196; TOPMed 0.02164; gnomAD 0.01371.

Submission:

GeneDx
Classification: Benign. Last evaluated: 2018-06-14. Review status: criteria provided, single submitter. Criteria: GeneDx Variant Classification (06012015). Collection method: clinical testing. Allele origin: germline. Affected: yes.
Comment: This variant is considered likely benign or benign based on one or more of the following criteria: it is a conservative change, it occurs at a poorly conserved position in the protein, it is predicted to be benign by multiple in silico algorithms, and/or has population frequency not consistent with disease.

NM_000071.3(CBS):c.736+295G>A

Gene: CBS (cystathionine beta-synthase; minus strand). Cytogenetic location: 21q22.3.
Variant type: single nucleotide variant.
Coding change: c.736+295G>A on transcript NM_000071.3 (MANE Select); 295 bases into the intron after coding-DNA position 736, G replaced by A.
Molecular consequence: intron variant.
Genome position (GRCh38, 1-based): chr21:43,064,908, C>T on the plus strand (G>A on the coding strand, the complement: CBS is on the minus strand). VCF-style: chr21-43064908-C-T. GRCh37 (hg19) VCF-style: chr21-44485018-C-T.
Other names: c.736+295G>A (NM_001320298.2, NM_001178009.3, NM_001178008.3); c.421+295G>A (NM_001321072.1).
Identifiers: ClinVar variation 669938 (VCV000669938.1), dbSNP rs111590810, ClinGen allele CA321095186.